The following is an entry in ClinVar:

ClinVar aggregate classification (germline): Uncertain significance (1 of 4 stars; one submission).

Conditions:
Aicardi-Goutieres syndrome 7 (AGS7). Identifiers: Orphanet 51, MedGen C3888244, MONDO:0014367, OMIM 615846.
Singleton-Merten syndrome 1 (SGMRT1). Also called: Widened medullary cavities of bone, aortic calcification, abnormal dentition, and muscular weakness; Syndrome of widened medullary cavities of the metacarpals and phalanges, aortic calcification and abnormal dentition. Identifiers: Orphanet 85191, MedGen C4225427, MONDO:0024535, OMIM 182250.

Submission:

Labcorp Genetics (formerly Invitae), Labcorp
Classification: Uncertain significance for Aicardi-Goutieres syndrome 7; Singleton-Merten syndrome 1. Last evaluated: 2025-01-27. Review status: criteria provided, single submitter. Criteria: Invitae Variant Classification Sherloc (09022015). Collection method: clinical testing. Allele origin: germline.
Comment: This sequence change replaces phenylalanine, which is neutral and non-polar, with leucine, which is neutral and non-polar, at codon 400 of the IFIH1 protein (p.Phe400Leu). This variant is not present in population databases (gnomAD no frequency). This variant has not been reported in the literature in individuals affected with IFIH1-related conditions. ClinVar contains an entry for this variant (Variation ID: 2952671). Invitae Evidence Modeling of protein sequence and biophysical properties (such as structural, functional, and spatial information, amino acid conservation, physicochemical variation, residue mobility, and thermodynamic stability) has been performed for this missense variant. However, the output from this modeling did not meet the statistical confidence thresholds required to predict the impact of this variant on IFIH1 protein function. In summary, the available evidence is currently insufficient to determine the role of this variant in disease. Therefore, it has been classified as a Variant of Uncertain Significance.

NM_022168.4(IFIH1):c.1200T>A (p.Phe400Leu)

Gene: IFIH1 (interferon induced with helicase C domain 1; minus strand). Cytogenetic location: 2q24.2.
Variant type: single nucleotide variant.
Coding change: c.1200T>A on transcript NM_022168.4 (MANE Select); coding-DNA position 1200, T replaced by A.
Protein change: p.Phe400Leu; replaces phenylalanine 400 with leucine.
Molecular consequence: missense variant.
Genome position (GRCh38, 1-based): chr2:162,282,472, A>T on the plus strand (T>A on the coding strand, the complement: IFIH1 is on the minus strand). VCF-style: chr2-162282472-A-T. GRCh37 (hg19) VCF-style: chr2-163138982-A-T.
Other names: short protein forms F400L.
Identifiers: ClinVar variation 2952671 (VCV002952671.3), dbSNP rs1470509556, ClinGen allele CA349002867.